The following is an entry in ClinVar:

ClinVar aggregate classification (germline): Uncertain significance. Review status: criteria provided, multiple submitters, no conflicts (2 of 4 stars). 2 submissions from 2 submitters: Uncertain significance (2). Last evaluated 2025-11-22.

Conditions:
Cardiovascular phenotype. Identifiers: MedGen CN230736.

Allele frequency attached by ClinVar (database versions not stated): gnomAD exomes below 0.00001; TOPMed below 0.00001; ExAC 0.00001.
gnomAD v4.1: 2 of 1,614,102 alleles (0.00012%); highest among the groups gnomAD compares: Admixed American, 0.0033%; no homozygotes.

Submissions (2):

Ambry Genetics
Classification: Uncertain significance for Cardiovascular phenotype. Last evaluated: 2025-11-22. Review status: criteria provided, single submitter. Criteria: Ambry Variant Classification Scheme 2023. Collection method: clinical testing. Allele origin: germline.
Comment: The p.E300G variant (also known as c.899A>G), located in coding exon 4 of the LOX gene, results from an A to G substitution at nucleotide position 899. The glutamic acid at codon 300 is replaced by glycine, an amino acid with similar properties. This amino acid position is conserved. In addition, this alteration is predicted to be deleterious by in silico analysis. Based on the available evidence, the clinical significance of this variant remains unclear.

Labcorp Genetics (formerly Invitae), Labcorp
Classification: Uncertain significance. Last evaluated: 2022-07-13. Review status: criteria provided, single submitter. Criteria: Invitae Variant Classification Sherloc (09022015). Collection method: clinical testing. Allele origin: germline.
Comment: This sequence change replaces glutamic acid, which is acidic and polar, with glycine, which is neutral and non-polar, at codon 300 of the LOX protein (p.Glu300Gly). This variant is present in population databases (rs763441085, gnomAD 0.006%). This variant has not been reported in the literature in individuals affected with LOX-related conditions. Algorithms developed to predict the effect of missense changes on protein structure and function are either unavailable or do not agree on the potential impact of this missense change (SIFT: "Not Available"; PolyPhen-2: "Possibly Damaging"; Align-GVGD: "Not Available"). In summary, the available evidence is currently insufficient to determine the role of this variant in disease. Therefore, it has been classified as a Variant of Uncertain Significance.

NM_002317.7(LOX):c.899A>G (p.Glu300Gly)

Genes: LOX (lysyl oxidase; minus strand), SRFBP1 (serum response factor binding protein 1; plus strand). Cytogenetic location: 5q23.1.
Variant type: single nucleotide variant.
Coding change: c.899A>G on transcript NM_002317.7 (MANE Select); coding-DNA position 899, A replaced by G.
Protein change: p.Glu300Gly; replaces glutamic acid 300 with glycine.
Molecular consequence: missense variant.
Genome position (GRCh38, 1-based): chr5:122,074,149, T>C on the plus strand (A>G on the coding strand, the complement: LOX is on the minus strand). VCF-style: chr5-122074149-T-C. GRCh37 (hg19) VCF-style: chr5-121409844-T-C.
Other names: c.899A>G (NM_002317.5); c.209A>G, p.Glu70Gly (NM_001178102.2); c.8A>G, p.Glu3Gly (NM_001317073.1); short protein forms E300G, E3G, E70G.
Identifiers: ClinVar variation 1961027 (VCV001961027.6), dbSNP rs763441085, ClinGen allele CA3383901.